The following is an entry in ClinVar:

NM_005633.4(SOS1):c.2097C>A (p.His699Gln)

Gene: SOS1 (SOS Ras/Rac guanine nucleotide exchange factor 1; minus strand). Cytogenetic location: 2p22.1.
Variant type: single nucleotide variant.
Coding change: c.2097C>A on transcript NM_005633.4 (MANE Select); coding-DNA position 2097, C replaced by A.
Protein change: p.His699Gln; replaces histidine 699 with glutamine.
Molecular consequence: missense variant.
Genome position (GRCh38, 1-based): chr2:39,013,530, G>T on the plus strand (C>A on the coding strand, the complement: SOS1 is on the minus strand). VCF-style: chr2-39013530-G-T. GRCh37 (hg19) VCF-style: chr2-39240671-G-T.
Other names: c.2076C>A, p.His692Gln (NM_001382394.1); c.2097C>A, p.His699Gln (NM_001382395.1); short protein forms H699Q, H692Q.
Identifiers: ClinVar variation 574127 (VCV000574127.14), dbSNP rs765074047, ClinGen allele CA45661533.
Genomic context (GRCh38, chr2:39,013,530, plus strand): 5'-TCCAATAAATTCTTCCATTCGTTGCAAAAGATATGCATCTCTTTCAAAATCATAGAAGTG[G>T]TGCTCTACCCAGTGCCGACATACATTTAATACTCTATGGCATTAACACAGAATTGAATTA-3'
Protein context (NP_005624.2, residues 689-709): VLNVCRHWVE[His699Gln]HFYDFERDAY

ClinVar aggregate classification (germline): Uncertain significance. Review status: criteria provided, multiple submitters, no conflicts (2 of 4 stars). 6 submissions from 5 submitters: Uncertain significance (6). Last evaluated 2026-06-30.

Conditions:
RASopathy. Also called: Noonan spectrum disorder; rasopathies. Identifiers: Orphanet 536391, MedGen C5555857, MONDO:0021060.
Noonan syndrome 4 (NS4). Also called: NOONAN SYNDROME WITH PIGMENTED VILLONODULAR SYNOVITIS; SOS1-Related Noonan Syndrome. Identifiers: Orphanet 648, MedGen C1853120, MONDO:0012547, OMIM 610733.
SOS1-related disorder. Also called: SOS1-related condition.
Cardiovascular phenotype. Identifiers: MedGen CN230736.
Fibromatosis, gingival, 1 (GINGF1). Identifiers: Orphanet 2024, MedGen C4551558, MONDO:0007609, OMIM 135300.

Allele frequency attached by ClinVar (database versions not stated): gnomAD 0.00001; TOPMed 0.00002.
gnomAD v4.1: 3 of 1,611,612 alleles (0.00019%); highest among the groups gnomAD compares: Non-Finnish European, 0.00025%; no homozygotes.

Submissions (6):

PreventionGenetics, part of Exact Sciences
Classification: Uncertain significance for SOS1-related condition. Last evaluated: 2026-06-30. Review status: criteria provided, single submitter. Criteria: ACMG Guidelines, 2015. Collection method: clinical testing. Allele origin: germline.
Comment: The SOS1 c.2097C>A variant is predicted to result in the amino acid substitution p.His699Gln. To our knowledge, this variant has not been reported in the literature in individuals with SOS1-related disorders. This variant is reported in 0.0065% of alleles in individuals of European (Non-Finnish) descent in gnomAD. At this time, the clinical significance of this variant is uncertain due to the absence of conclusive functional and genetic evidence.

Women's Health and Genetics/Laboratory Corporation of America, LabCorp
Classification: Uncertain significance. Last evaluated: 2026-05-04. Review status: criteria provided, single submitter. Criteria: LabCorp Variant Classification Summary - May 2015. Collection method: clinical testing. Allele origin: germline.

Ambry Genetics
Classification: Uncertain significance for Cardiovascular phenotype. Last evaluated: 2025-10-25. Review status: criteria provided, single submitter. Criteria: Ambry Variant Classification Scheme 2023. Collection method: clinical testing. Allele origin: germline.
Comment: The p.H699Q variant (also known as c.2097C>A), located in coding exon 13 of the SOS1 gene, results from a C to A substitution at nucleotide position 2097. The histidine at codon 699 is replaced by glutamine, an amino acid with highly similar properties. This amino acid position is highly conserved in available vertebrate species. In addition, the in silico prediction for this alteration is inconclusive. Since supporting evidence is limited at this time, the clinical significance of this alteration remains unclear.

Labcorp Genetics (formerly Invitae), Labcorp
Classification: Uncertain significance for RASopathy. Last evaluated: 2024-05-29. Review status: criteria provided, single submitter. Criteria: Invitae Variant Classification Sherloc (09022015). Collection method: clinical testing. Allele origin: germline.
Comment: This sequence change replaces histidine, which is basic and polar, with glutamine, which is neutral and polar, at codon 699 of the SOS1 protein (p.His699Gln). This variant is present in population databases (no rsID available, gnomAD 0.007%). This variant has not been reported in the literature in individuals affected with SOS1-related conditions. ClinVar contains an entry for this variant (Variation ID: 574127). Advanced modeling of protein sequence and biophysical properties (such as structural, functional, and spatial information, amino acid conservation, physicochemical variation, residue mobility, and thermodynamic stability) performed at Invitae indicates that this missense variant is not expected to disrupt SOS1 protein function with a negative predictive value of 80%. In summary, the available evidence is currently insufficient to determine the role of this variant in disease. Therefore, it has been classified as a Variant of Uncertain Significance.

Genome-Nilou Lab
Classification: Uncertain significance for Noonan syndrome 4. Review status: criteria provided, single submitter. Criteria: ACMG Guidelines, 2015. Collection method: clinical testing. Allele origin: germline.

Genome-Nilou Lab
Classification: Uncertain significance for Fibromatosis, gingival, 1. Review status: criteria provided, single submitter. Criteria: ACMG Guidelines, 2015. Collection method: clinical testing. Allele origin: germline.